The following is an entry in ClinVar:

NM_000535.7(PMS2):c.2174+5G>T

Gene: PMS2 (PMS1 homolog 2, mismatch repair system component; minus strand). Cytogenetic location: 7p22.1.
Variant type: single nucleotide variant.
Coding change: c.2174+5G>T on transcript NM_000535.7 (MANE Select); 5 bases into the intron after coding-DNA position 2174, G replaced by T.
Molecular consequence: intron variant.
Genome position (GRCh38, 1-based): chr7:5,982,819, C>A on the plus strand (G>T on the coding strand, the complement: PMS2 is on the minus strand). VCF-style: chr7-5982819-C-A. GRCh37 (hg19) VCF-style: chr7-6022450-C-A.
Other names: c.1856+5G>T (NM_001322008.2, NM_001322007.2); c.1613+5G>T (NM_001322010.2); c.1769+5G>T (NM_001322004.2, NM_001322003.2, NM_001322009.2 and 1 more transcripts); c.1601+5G>T (NM_001322013.2); c.1241+5G>T (NM_001322012.2, NM_001322011.2); c.1865+5G>T (NM_001322015.2); c.2018+5G>T (NM_001322006.2); c.2174+5G>T (NM_001322014.2).
Identifiers: ClinVar variation 1787149 (VCV001787149.2), dbSNP rs2535526315, ClinGen allele CA2580076742.

ClinVar aggregate classification (germline): Uncertain significance (1 of 4 stars; one submission).

Conditions:
Hereditary cancer-predisposing syndrome. Also called: Neoplastic Syndromes, Hereditary; Tumor predisposition; Hereditary Cancer Syndrome; Hereditary neoplastic syndrome. Identifiers: Orphanet 140162, MedGen C0027672, MeSH D009386, MONDO:0015356.

Submission:

Ambry Genetics
Classification: Uncertain significance for Hereditary cancer-predisposing syndrome. Last evaluated: 2021-07-21. Review status: criteria provided, single submitter. Criteria: Ambry Variant Classification Scheme 2023. Collection method: clinical testing. Allele origin: germline.
Comment: The c.2174+5G>T intronic variant results from a G to T substitution 5 nucleotides after coding exon 12 in the PMS2 gene. This nucleotide position is highly conserved in available vertebrate species. In silico splice site analysis predicts that this alteration will weaken the native splice donor site. Since supporting evidence is limited at this time, the clinical significance of this alteration remains unclear.